The following is an entry in ClinVar:

NM_001204.7(BMPR2):c.1651T>C (p.Tyr551His)

Gene: BMPR2 (bone morphogenetic protein receptor type 2; plus strand). Cytogenetic location: 2q33.2.
Variant type: single nucleotide variant.
Coding change: c.1651T>C on transcript NM_001204.7 (MANE Select); coding-DNA position 1651, T replaced by C.
Protein change: p.Tyr551His; replaces tyrosine 551 with histidine.
Molecular consequence: missense variant.
Genome position (GRCh38, 1-based): chr2:202,555,316, T>C. VCF-style: chr2-202555316-T-C. GRCh37 (hg19) VCF-style: chr2-203420039-T-C.
Other names: short protein forms Y551H.
Identifiers: ClinVar variation 3481280 (VCV003481280.1).

ClinVar aggregate classification (germline): Uncertain significance (1 of 4 stars; one submission).

Conditions:
Inborn genetic diseases. Identifiers: MedGen C0950123, MeSH D030342.

Submission:

Ambry Genetics
Classification: Uncertain significance for Inborn genetic diseases. Last evaluated: 2024-11-20. Review status: criteria provided, single submitter. Criteria: Ambry Variant Classification Scheme 2023. Collection method: clinical testing. Allele origin: germline.
Comment: The p.Y551H variant (also known as c.1651T>C), located in coding exon 12 of the BMPR2 gene, results from a T to C substitution at nucleotide position 1651. The tyrosine at codon 551 is replaced by histidine, an amino acid with similar properties. This amino acid position is conserved. In addition, the in silico prediction for this alteration is inconclusive. Based on the available evidence, the clinical significance of this variant remains unclear.